The following is an entry in ClinVar:

ClinVar aggregate classification (germline): Pathogenic/Likely pathogenic. Review status: criteria provided, multiple submitters, no conflicts (2 of 4 stars). 2 submissions from 2 submitters: Pathogenic (1); Likely pathogenic (1). Last evaluated 2024-05-03.

Conditions:
Polycystic kidney disease 4 (PKD4). Also called: POLYCYSTIC KIDNEY AND HEPATIC DISEASE 1; POLYCYSTIC KIDNEY DISEASE, INFANTILE, TYPE I; PKD3; POLYCYSTIC KIDNEY DISEASE 4 WITH OR WITHOUT POLYCYSTIC LIVER DISEASE; Autosomal Recessive Polycystic Kidney Disease – PKHD1. Identifiers: MedGen C4540575, MONDO:0033004, OMIM 263200.

Submissions (2):

Myriad Genetics, Inc.
Classification: Pathogenic for Polycystic kidney disease 4. Last evaluated: 2024-05-03. Review status: criteria provided, single submitter. Criteria: Myriad Autosomal Dominant, Autosomal Recessive and X-Linked Classification Criteria (2023). Collection method: clinical testing. Allele origin: unknown.
Comment: NM_138694.3(PKHD1):c.9166C>T(Q3056*) is expected to be pathogenic in the context of autosomal recessive polycystic kidney disease, PKHD1-related. This variant is predicted to lead to an abnormal or absent protein product due to the creation of a premature termination codon in PKHD1, a gene where loss-of-function variants are known to be pathogenic. Please note: this variant was assessed in the context of healthy population screening.

Baylor Genetics
Classification: Likely pathogenic for Polycystic kidney disease 4. Last evaluated: 2023-02-21. Review status: criteria provided, single submitter. Criteria: ACMG Guidelines, 2015. Collection method: clinical testing. Allele origin: unknown.

NM_138694.4(PKHD1):c.9166C>T (p.Gln3056Ter)

Gene: PKHD1 (PKHD1 ciliary IPT domain containing fibrocystin/polyductin; minus strand). Cytogenetic location: 6p12.3.
Variant type: single nucleotide variant.
Coding change: c.9166C>T on transcript NM_138694.4 (MANE Select); coding-DNA position 9166, C replaced by T.
Protein change: p.Gln3056Ter; replaces glutamine 3056 with a stop codon.
Molecular consequence: nonsense.
Genome position (GRCh38, 1-based): chr6:51,748,450, G>A on the plus strand (C>T on the coding strand, the complement: PKHD1 is on the minus strand). VCF-style: chr6-51748450-G-A. GRCh37 (hg19) VCF-style: chr6-51613248-G-A.
Other names: c.9166C>T, p.Gln3056Ter (NM_170724.3); short protein forms Q3056*.
Identifiers: ClinVar variation 2677840 (VCV002677840.2), dbSNP rs1562224902, ClinGen allele CA364423327.